The following is an entry in ClinVar:

ClinVar aggregate classification (germline): Uncertain significance (1 of 4 stars; one submission).

Conditions:
Familial hypocalciuric hypercalcemia (FHH). Also called: Familial benign hypercalcemia. Identifiers: Orphanet 405, MedGen C1809471, MONDO:0018458.
Autosomal dominant hypocalcemia 1 (HYPOC1). Also called: HYPOCALCEMIA, FAMILIAL. Identifiers: MedGen C3715128, MONDO:0011013, OMIM 601198.

Submission:

Labcorp Genetics (formerly Invitae), Labcorp
Classification: Uncertain significance for Familial hypocalciuric hypercalcemia; Autosomal dominant hypocalcemia 1. Last evaluated: 2022-06-26. Review status: criteria provided, single submitter. Criteria: Invitae Variant Classification Sherloc (09022015). Collection method: clinical testing. Allele origin: germline.
Comment: Algorithms developed to predict the effect of missense changes on protein structure and function output the following: SIFT: "Tolerated"; PolyPhen-2: "Benign"; Align-GVGD: "Class C0". The alanine amino acid residue is found in multiple mammalian species, which suggests that this missense change does not adversely affect protein function. In summary, the available evidence is currently insufficient to determine the role of this variant in disease. Therefore, it has been classified as a Variant of Uncertain Significance. This variant has not been reported in the literature in individuals affected with CASR-related conditions. This variant is not present in population databases (gnomAD no frequency). This sequence change replaces threonine, which is neutral and polar, with alanine, which is neutral and non-polar, at codon 389 of the CASR protein (p.Thr389Ala).

NM_000388.4(CASR):c.1165A>G (p.Thr389Ala)

Gene: CASR (calcium sensing receptor; plus strand). Cytogenetic location: 3q21.1.
Variant type: single nucleotide variant.
Coding change: c.1165A>G on transcript NM_000388.4 (MANE Select); coding-DNA position 1165, A replaced by G.
Protein change: p.Thr389Ala; replaces threonine 389 with alanine.
Molecular consequence: missense variant.
Genome position (GRCh38, 1-based): chr3:122,262,200, A>G. VCF-style: chr3-122262200-A-G. GRCh37 (hg19) VCF-style: chr3-121981047-A-G.
Other names: c.1165A>G, p.Thr389Ala (NM_001178065.2); short protein forms T389A.
Identifiers: ClinVar variation 2011240 (VCV002011240.4), dbSNP rs2473228348, ClinGen allele CA354152732.
Genomic context (GRCh38, chr3:122,262,200, plus strand): 5'-CCTGTGGACACCTTTCTGAGAGGTCACGAAGAAAGTGGCGACAGGTTTAGCAACAGCTCG[A>G]CAGCCTTCCGACCCCTCTGTACAGGGGATGAGAACATCAGCAGTGTCGAGACCCCTTACA-3'
Protein context (NP_000379.3, residues 379-399): ESGDRFSNSS[Thr389Ala]AFRPLCTGDE